The following is an entry in ClinVar:

ClinVar aggregate classification (germline): Uncertain significance (1 of 4 stars; one submission).

Conditions:
Andersen Tawil syndrome (LQT7). Also called: PERIODIC PARALYSIS, POTASSIUM-SENSITIVE CARDIODYSRHYTHMIC TYPE; Andersen Syndrome; LONG QT SYNDROME 7; ANDERSEN CARDIODYSRHYTHMIC PERIODIC PARALYSIS; Potassium-sensitive periodic paralysis, ventricular ectopy, and dysmorphic features. Identifiers: Orphanet 37553, MedGen C1563715, MONDO:0008222, OMIM 170390.
Short QT syndrome type 3. Identifiers: Orphanet 51083, MedGen C1865018, MONDO:0012314, OMIM 609622.

Allele frequency attached by ClinVar (database versions not stated): TOPMed 0.00001; ESP Exome Variant Server 0.00008.

Submission:

Labcorp Genetics (formerly Invitae), Labcorp
Classification: Uncertain significance for Short QT syndrome type 3; Andersen Tawil syndrome. Last evaluated: 2022-03-08. Review status: criteria provided, single submitter. Criteria: Invitae Variant Classification Sherloc (09022015). Collection method: clinical testing. Allele origin: germline.
Comment: In summary, the available evidence is currently insufficient to determine the role of this variant in disease. Therefore, it has been classified as a Variant of Uncertain Significance. Algorithms developed to predict the effect of missense changes on protein structure and function are either unavailable or do not agree on the potential impact of this missense change (SIFT: "Deleterious"; PolyPhen-2: "Benign"; Align-GVGD: "Class C15"). This variant has not been reported in the literature in individuals affected with KCNJ2-related conditions. This variant is not present in population databases (gnomAD no frequency). This sequence change replaces glycine, which is neutral and non-polar, with aspartic acid, which is acidic and polar, at codon 206 of the KCNJ2 protein (p.Gly206Asp).

NM_000891.3(KCNJ2):c.617G>A (p.Gly206Asp)

Gene: KCNJ2 (potassium inwardly rectifying channel subfamily J member 2; plus strand). Cytogenetic location: 17q24.3.
Variant type: single nucleotide variant.
Coding change: c.617G>A on transcript NM_000891.3 (MANE Select); coding-DNA position 617, G replaced by A.
Protein change: p.Gly206Asp; replaces glycine 206 with aspartic acid.
Molecular consequence: missense variant.
Genome position (GRCh38, 1-based): chr17:70,175,656, G>A. VCF-style: chr17-70175656-G-A. GRCh37 (hg19) VCF-style: chr17-68171797-G-A.
Other names: short protein forms G206D.
Identifiers: ClinVar variation 2161079 (VCV002161079.4), dbSNP rs370571312, ClinGen allele CA293702921.